The following is an entry in ClinVar:

NM_001267550.2(TTN):c.70784dup (p.Thr23596fs)

Genes: TTN (titin; minus strand), TTN-AS1 (TTN antisense RNA 1; plus strand). Cytogenetic location: 2q31.2.
Variant type: Duplication.
Coding change: c.70784dup on transcript NM_001267550.2 (MANE Select); coding-DNA position 70784, one base duplicated (T; older notation c.70784dupT).
Protein change: p.Thr23596fs; shifts the reading frame from threonine 23596.
Molecular consequence: frameshift variant.
Genome position (GRCh38, 1-based): chr2:178,575,348, A duplicated on the plus strand (T on the coding strand, the reverse complement: TTN is on the minus strand). VCF-style (leftmost placement, unchanged base first): chr2-178575347-T-TA. GRCh37 (hg19) VCF-style: chr2-179440074-T-TA.
Other names: c.65861dup, p.Thr21955fs (NM_001256850.1); c.43589dup, p.Thr14531fs (NM_003319.4); c.63080dup, p.Thr21028fs (NM_133378.4); c.43964dup, p.Thr14656fs (NM_133432.3); c.44165dup, p.Thr14723fs (NM_133437.4); c.43589dupT (NM_003319.4); short protein forms T14531fs, T14656fs, T14723fs, T21028fs, T21955fs, T23596fs.
Identifiers: ClinVar variation 4866177 (VCV004866177.1).

ClinVar aggregate classification (germline): Likely pathogenic (1 of 4 stars; one submission).

Conditions:
Cardiovascular phenotype. Identifiers: MedGen CN230736.

Submission:

Ambry Genetics
Classification: Likely pathogenic for Cardiovascular phenotype. Last evaluated: 2026-03-27. Review status: criteria provided, single submitter. Criteria: Ambry Variant Classification Scheme 2023. Collection method: clinical testing. Allele origin: germline.
Comment: The c.43589dupT variant, located in coding exon 153 of the TTN gene, results from a duplication of T at nucleotide position 43589, causing a translational frameshift with a predicted alternate stop codon (p.T14531Nfs*2). This exon is located in the A-band region of the N2-B isoform of the titin protein and is constitutively expressed in TTN transcripts (percent spliced in or PSI 100%). This variant was reported in individual(s) with features consistent with dilated cardiomyopathy (Ambry internal data). This variant is considered to be rare based on population cohorts in the Genome Aggregation Database (gnomAD). This variant is expected to result in loss of function by premature protein truncation or nonsense-mediated mRNA decay. While truncating variants in TTN are present in 1-3% of the general population, truncating variants in the A-band are the most common cause of dilated cardiomyopathy (Herman DS et al. N. Engl. J. Med., 2012 Feb;366:619-28; Roberts AM et al. Sci Transl Med, 2015 Jan;7:270ra6). TTN truncating variants encoded in constitutive exons (PSI >90%) have been found to be significantly associated with DCM regardless of their position in titin (Schafer S et al. Nat. Genet., 2017 01;49:46-53; Akhtar MM et al. Circ Heart Fail, 2020 Oct;13:e006832; Massier M et al. Clin Genet, 2025 Jan). Based on the majority of available evidence to date, this variant is likely to be pathogenic.